The following is an entry in ClinVar:

NM_000214.3(JAG1):c.2120G>A (p.Ser707Asn)

Gene: JAG1 (jagged canonical Notch ligand 1; minus strand). Cytogenetic location: 20p12.2.
Variant type: single nucleotide variant.
Coding change: c.2120G>A on transcript NM_000214.3 (MANE Select); coding-DNA position 2120, G replaced by A.
Protein change: p.Ser707Asn; replaces serine 707 with asparagine.
Molecular consequence: missense variant.
Genome position (GRCh38, 1-based): chr20:10,645,250, C>T on the plus strand (G>A on the coding strand, the complement: JAG1 is on the minus strand). VCF-style: chr20-10645250-C-T. GRCh37 (hg19) VCF-style: chr20-10625898-C-T.
Other names: short protein forms S707N.
Identifiers: ClinVar variation 1468862 (VCV001468862.6), dbSNP rs2122603091, ClinGen allele CA408235348.

ClinVar aggregate classification (germline): Uncertain significance (1 of 4 stars; one submission).

Conditions:
Alagille syndrome due to a JAG1 point mutation. Also called: Alagille Syndrome 1; HEPATIC DUCTULAR HYPOPLASIA, SYNDROMATIC; JAG1-Related Alagille Syndrome. Identifiers: Orphanet 261619, Orphanet 52, MedGen C1956125, MONDO:0016862, OMIM 118450.

Allele frequency attached by ClinVar (database versions not stated): gnomAD exomes 0.00001.
gnomAD v4.1: 3 of 1,613,760 alleles (0.00019%); highest among the groups gnomAD compares: Non-Finnish European, 0.00025%; no homozygotes.

Submission:

Labcorp Genetics (formerly Invitae), Labcorp
Classification: Uncertain significance for Alagille syndrome due to a JAG1 point mutation. Last evaluated: 2023-09-25. Review status: criteria provided, single submitter. Criteria: Invitae Variant Classification Sherloc (09022015). Collection method: clinical testing. Allele origin: germline.
Comment: In summary, the available evidence is currently insufficient to determine the role of this variant in disease. Therefore, it has been classified as a Variant of Uncertain Significance. Advanced modeling of protein sequence and biophysical properties (such as structural, functional, and spatial information, amino acid conservation, physicochemical variation, residue mobility, and thermodynamic stability) performed at Invitae indicates that this missense variant is not expected to disrupt JAG1 protein function. ClinVar contains an entry for this variant (Variation ID: 1468862). This variant has not been reported in the literature in individuals affected with JAG1-related conditions. This variant is not present in population databases (gnomAD no frequency). This sequence change replaces serine, which is neutral and polar, with asparagine, which is neutral and polar, at codon 707 of the JAG1 protein (p.Ser707Asn).